The following is an entry in ClinVar:

ClinVar aggregate classification (germline): Uncertain significance (1 of 4 stars; one submission).

Allele frequency attached by ClinVar (database versions not stated): gnomAD exomes below 0.00001.

Submission:

CeGaT Center for Human Genetics Tuebingen
Classification: Uncertain significance. Last evaluated: 2024-02-01. Review status: criteria provided, single submitter. Criteria: CeGaT Center For Human Genetics Tuebingen Variant Classification Criteria Version 2. Collection method: clinical testing. Allele origin: germline. Affected: yes. Observed: 1 variant allele.
Comment: TTN: PM2, BP4

NM_001267550.2(TTN):c.39905T>A (p.Met13302Lys)

Gene: TTN (titin; minus strand). Cytogenetic location: 2q31.2.
Variant type: single nucleotide variant.
Coding change: c.39905T>A on transcript NM_001267550.2 (MANE Select); coding-DNA position 39905, T replaced by A.
Protein change: p.Met13302Lys; replaces methionine 13302 with lysine.
Molecular consequence: missense variant. On other transcripts: intron variant (5).
Genome position (GRCh38, 1-based): chr2:178,649,622, A>T on the plus strand (T>A on the coding strand, the complement: TTN is on the minus strand). VCF-style: chr2-178649622-A-T. GRCh37 (hg19) VCF-style: chr2-179514349-A-T.
Other names: c.13283-7305T>A (NM_003319.4); c.13859-7305T>A (NM_133437.4); c.13658-7305T>A (NM_133432.3); c.32593+195T>A (NM_133378.4); c.35374+195T>A (NM_001256850.1); short protein forms M13302K.
Identifiers: ClinVar variation 3027109 (VCV003027109.22), dbSNP rs1254047685, ClinGen allele CA349447608.